The following is an entry in ClinVar:

NM_020693.4(DSCAML1):c.968A>T (p.Lys323Met)

Gene: DSCAML1 (DS cell adhesion molecule like 1; minus strand). Cytogenetic location: 11q23.3.
Variant type: single nucleotide variant.
Coding change: c.968A>T on transcript NM_020693.4 (MANE Select); coding-DNA position 968, A replaced by T.
Protein change: p.Lys323Met; replaces lysine 323 with methionine.
Molecular consequence: missense variant.
Genome position (GRCh38, 1-based): chr11:117,521,375, T>A on the plus strand (A>T on the coding strand, the complement: DSCAML1 is on the minus strand). VCF-style: chr11-117521375-T-A. GRCh37 (hg19) VCF-style: chr11-117392090-T-A.
Other names: c.968A>T, p.Lys323Met (NM_001367904.1); c.560A>T, p.Lys187Met (NM_001367905.1); short protein forms K187M, K323M.
Identifiers: ClinVar variation 2780985 (VCV002780985.3), dbSNP rs1356227490, ClinGen allele CA382748589.

ClinVar aggregate classification (germline): Uncertain significance (1 of 4 stars; one submission).

Allele frequency attached by ClinVar (database versions not stated): gnomAD 0.00001; TOPMed 0.00001.
gnomAD v4.1: 27 of 1,613,792 alleles (0.0017%); highest among the groups gnomAD compares: Non-Finnish European, 0.0022%; no homozygotes.

Submission:

Labcorp Genetics (formerly Invitae), Labcorp
Classification: Uncertain significance. Last evaluated: 2024-12-26. Review status: criteria provided, single submitter. Criteria: Invitae Variant Classification Sherloc (09022015). Collection method: clinical testing. Allele origin: germline.
Comment: This sequence change replaces lysine, which is basic and polar, with methionine, which is neutral and non-polar, at codon 383 of the DSCAML1 protein (p.Lys383Met). This variant is present in population databases (no rsID available, gnomAD 0.0009%). This variant has not been reported in the literature in individuals affected with DSCAML1-related conditions. ClinVar contains an entry for this variant (Variation ID: 2780985). An algorithm developed to predict the effect of missense changes on protein structure and function (PolyPhen-2) suggests that this variant is likely to be disruptive. In summary, the available evidence is currently insufficient to determine the role of this variant in disease. Therefore, it has been classified as a Variant of Uncertain Significance.